The following is an entry in ClinVar:

ClinVar aggregate classification (germline): Pathogenic (1 of 4 stars; one submission).

Conditions:
VPS13A-related neurodegenerative disease. Also called: ACANTHOCYTOSIS WITH NEUROLOGIC DISORDER; LEVINE-CRITCHLEY SYNDROME; Choreoacanthocytosis; Chorea-acanthocytosis; Choreaacanthocytosis; VPS13A Disease. Identifiers: Orphanet 2388, MedGen C0393576, MONDO:0008695, OMIM 200150.

Submission:

Myriad Genetics, Inc.
Classification: Pathogenic for VPS13A-related neurodegenerative disease. Last evaluated: 2026-03-28. Review status: criteria provided, single submitter. Criteria: Myriad Autosomal Dominant, Autosomal Recessive and X-Linked Classification Criteria (2023). Collection method: clinical testing. Allele origin: unknown.
Comment: NM_033305.2(VPS13A):c.3420delA(D1141Ifs*2) is expected to be pathogenic in the context of VPS13A disease. This variant is predicted to lead to an abnormal or absent protein product due to the creation of a premature termination codon in VPS13A, a gene where loss-of-function variants are known to be pathogenic. Please note: this variant was assessed in the context of healthy population screening.

NM_033305.3(VPS13A):c.3420del (p.Asp1141fs)

Gene: VPS13A (vacuolar protein sorting 13 homolog A; plus strand). Cytogenetic location: 9q21.2.
Variant type: Deletion.
Coding change: c.3420del on transcript NM_033305.3 (MANE Select); coding-DNA position 3420, one base deleted (A; older notation c.3420delA).
Protein change: p.Asp1141fs; shifts the reading frame from aspartic acid 1141.
Molecular consequence: frameshift variant.
Genome position (GRCh38, 1-based): chr9:77,293,421, A deleted. VCF-style (leftmost placement, unchanged base first): chr9-77293420-CA-C. GRCh37 (hg19) VCF-style: chr9-79908336-CA-C.
Other names: c.3303del, p.Asp1102fs (NM_001018037.2); c.3420del, p.Asp1141fs (NM_001018038.3, NM_015186.4); short protein forms D1102fs, D1141fs.
Identifiers: ClinVar variation 5015737 (VCV005015737.1).
Genomic context (GRCh38, chr9:77,293,420, plus strand): 5'-AAGAAGTTTTCAGCTTCAAAATGGTTTCTTACATGGATGCAACTGCTGGTTCTGCATACA[CA>C]GATATGAATGTGGTTGACATTCAGGTTAATTTAATAGTTGGTTGCATTGAAGTAGTTTTT-3'